The following is an entry in ClinVar:

NM_007254.4(PNKP):c.408G>A (p.Pro136=)

Gene: PNKP (polynucleotide kinase 3'-phosphatase; minus strand). Cytogenetic location: 19q13.33.
Variant type: single nucleotide variant.
Coding change: c.408G>A on transcript NM_007254.4 (MANE Select); coding-DNA position 408, G replaced by A.
Protein change: p.Pro136=; no amino-acid change (proline 136 retained).
Molecular consequence: synonymous variant.
Genome position (GRCh38, 1-based): chr19:49,865,217, C>T on the plus strand (G>A on the coding strand, the complement: PNKP is on the minus strand). VCF-style: chr19-49865217-C-T. GRCh37 (hg19) VCF-style: chr19-50368474-C-T.
Identifiers: ClinVar variation 390657 (VCV000390657.11), dbSNP rs770822417, ClinGen allele CA16608221.
Genomic context (GRCh38, chr19:49,865,217, plus strand): 5'-GAACACTAGCAACTTCTCCAAGTTCTCCCAGCCGGGGTTTGACTTCCGCATACGCTTCTT[C>T]GGCAGCTCAGCATCTCTCTTCTCATCTTGGGACACCAGAGGGGTGCCAGGCGGAGTATCT-3'
Protein context (NP_009185.2, residues 126-146): SQDEKRDAEL[Pro136=]KKRMRKSNPG

ClinVar aggregate classification (germline): Likely benign. Review status: criteria provided, multiple submitters, no conflicts (2 of 4 stars). 3 submissions from 3 submitters: Likely benign (3). Last evaluated 2024-04-15.

Conditions:
Inborn genetic diseases. Identifiers: MedGen C0950123, MeSH D030342.
Developmental and epileptic encephalopathy, 12 (DEE12). Identifiers: MedGen C3150988, MONDO:0013389, OMIM 613722.

Allele frequency attached by ClinVar (database versions not stated): TOPMed 0.00001.
gnomAD v4.1: 18 of 1,614,118 alleles (0.0011%); highest among the groups gnomAD compares: South Asian, 0.0033%; no homozygotes.

Submissions (3):

Labcorp Genetics (formerly Invitae), Labcorp
Classification: Likely benign for Developmental and epileptic encephalopathy, 12. Last evaluated: 2024-04-15. Review status: criteria provided, single submitter. Criteria: Invitae Variant Classification Sherloc (09022015). Collection method: clinical testing. Allele origin: germline.

Ambry Genetics
Classification: Likely benign for Inborn genetic diseases. Last evaluated: 2017-07-05. Review status: criteria provided, single submitter. Criteria: Ambry Variant Classification Scheme 2023. Collection method: clinical testing. Allele origin: germline.

GeneDx
Classification: Likely benign. Last evaluated: 2016-11-03. Review status: criteria provided, single submitter. Criteria: GeneDx Variant Classification (06012015). Collection method: clinical testing. Allele origin: germline. Affected: yes.
Comment: This variant is considered likely benign or benign based on one or more of the following criteria: it is a conservative change, it occurs at a poorly conserved position in the protein, it is predicted to be benign by multiple in silico algorithms, and/or has population frequency not consistent with disease.